The following is an entry in ClinVar:

ClinVar aggregate classification (germline): Uncertain significance. Review status: criteria provided, multiple submitters, no conflicts (2 of 4 stars). 3 submissions from 3 submitters: Uncertain significance (3). Last evaluated 2026-01-05.

Conditions:
TTN-related disorder. Also called: TTN-related disorders; TTN-related condition; TTN-related disease.

Allele frequency attached by ClinVar (database versions not stated): gnomAD exomes 0.00001 and 0.00002; TOPMed 0.00001; ExAC 0.00003; gnomAD 0.00003; ESP Exome Variant Server 0.00017.
gnomAD v4.1: 24 of 1,609,918 alleles (0.0015%); highest among the groups gnomAD compares: Non-Finnish European, 0.002%; no homozygotes.

Submissions (3):

PreventionGenetics, part of Exact Sciences
Classification: Uncertain significance for TTN-related condition. Last evaluated: 2026-01-05. Review status: criteria provided, single submitter. Criteria: ACMG Guidelines, 2015. Collection method: clinical testing. Allele origin: germline.
Comment: The TTN c.78583A>G variant is predicted to result in the amino acid substitution p.Met26195Val. To our knowledge, this variant has not been reported in the literature. This variant is reported in 0.0041% of alleles in individuals of African descent in gnomAD. At this time, the clinical significance of this variant is uncertain due to the absence of conclusive functional and genetic evidence.

CeGaT Center for Human Genetics Tuebingen
Classification: Uncertain significance. Last evaluated: 2024-02-01. Review status: criteria provided, single submitter. Criteria: CeGaT Center For Human Genetics Tuebingen Variant Classification Criteria Version 2. Collection method: clinical testing. Allele origin: germline. Affected: yes. Observed: 1 variant allele.

Eurofins Ntd Llc (ga)
Classification: Uncertain significance. Last evaluated: 2018-02-09. Review status: criteria provided, single submitter. Criteria: EGL ClinVar v180209 classification definitions. Collection method: clinical testing. Allele origin: germline. Observed: 1 variant allele, 1 heterozygote.

NM_001267550.2(TTN):c.78583A>G (p.Met26195Val)

Genes: TTN (titin; minus strand), TTN-AS1 (TTN antisense RNA 1; plus strand). Cytogenetic location: 2q31.2.
Variant type: single nucleotide variant.
Coding change: c.78583A>G on transcript NM_001267550.2 (MANE Select); coding-DNA position 78583, A replaced by G.
Protein change: p.Met26195Val; replaces methionine 26195 with valine.
Molecular consequence: missense variant.
Genome position (GRCh38, 1-based): chr2:178,567,549, T>C on the plus strand (A>G on the coding strand, the complement: TTN is on the minus strand). VCF-style: chr2-178567549-T-C. GRCh37 (hg19) VCF-style: chr2-179432276-T-C.
Other names: c.73660A>G, p.Met24554Val (NM_001256850.1); c.51388A>G, p.Met17130Val (NM_003319.4); c.70879A>G, p.Met23627Val (NM_133378.4); c.51763A>G, p.Met17255Val (NM_133432.3); c.51964A>G, p.Met17322Val (NM_133437.4); short protein forms M26195V, M23627V, M17255V, M17322V, M24554V, M17130V.
Identifiers: ClinVar variation 595998 (VCV000595998.28), dbSNP rs369118365, ClinGen allele CA1989582.